The following is an entry in ClinVar:

ClinVar aggregate classification (germline): Uncertain significance (1 of 4 stars; one submission).

Conditions:
Cardiovascular phenotype. Identifiers: MedGen CN230736.

Submission:

Ambry Genetics
Classification: Uncertain significance for Cardiovascular phenotype. Last evaluated: 2020-11-30. Review status: criteria provided, single submitter. Criteria: Ambry Variant Classification Scheme 2023. Collection method: clinical testing. Allele origin: germline.
Comment: The p.A49T variant (also known as c.145G>A), located in coding exon 1 of the VCL gene, results from a G to A substitution at nucleotide position 145. The alanine at codon 49 is replaced by threonine, an amino acid with similar properties. This missense alteration is located in a region that has a low rate of benign missense variation (Lek M et al. Nature. 2016 Aug 18;536(7616):285-91; DECIPHER: Database of Chromosomal Imbalance and Phenotype in Humans using Ensembl Resources. Firth H.V. et al. 2009. Am.J.Hum.Genet. 84, 524-533 (DOI)). This amino acid position is highly conserved in available vertebrate species. In addition, this alteration is predicted to be tolerated by in silico analysis. Since supporting evidence is limited at this time, the clinical significance of this alteration remains unclear.

NM_014000.3(VCL):c.145G>A (p.Ala49Thr)

Gene: VCL (vinculin; plus strand). Cytogenetic location: 10q22.2.
Variant type: single nucleotide variant.
Coding change: c.145G>A on transcript NM_014000.3 (MANE Select); coding-DNA position 145, G replaced by A.
Protein change: p.Ala49Thr; replaces alanine 49 with threonine.
Molecular consequence: missense variant.
Genome position (GRCh38, 1-based): chr10:73,998,352, G>A. VCF-style: chr10-73998352-G-A. GRCh37 (hg19) VCF-style: chr10-75758110-G-A.
Other names: c.145G>A, p.Ala49Thr (NM_003373.4); short protein forms A49T.
Identifiers: ClinVar variation 1773127 (VCV001773127.2), dbSNP rs2549180866, ClinGen allele CA377255433.
Genomic context (GRCh38, chr10:73,998,352, plus strand): 5'-GAGGGCGAGGTGGACGGCAAAGCCATTCCTGACCTCACCGCGCCCGTGGCCGCCGTGCAG[G>A]CGGCCGTCAGCAACCTCGTCCGGGTGAGCGCGCAGGGCCTGGCGCGGGAGCGGGCGCGGG-3'
Protein context (NP_054706.1, residues 39-59): DLTAPVAAVQ[Ala49Thr]AVSNLVRVGK